The following is an entry in ClinVar:

Conditions:
Breast-ovarian cancer, familial, susceptibility to, 1 (BROVCA1). Also called: BRCA1 Hereditary Breast and Ovarian Cancer; OVARIAN CANCER, SUSCEPTIBILITY TO. Identifiers: Orphanet 145, MedGen C2676676, MONDO:0011450, OMIM 604370. Disease mechanism: loss of function.

Submission:

Brotman Baty Institute, University of Washington
No classification provided (evidence only). Condition: Breast-ovarian cancer, familial 1. Review status: no classification provided. Collection method: in vitro. Allele origin: not applicable. Functional consequence: functionally_normal.
ClinVar note: "not provided" was previously submitted as the classification for the variant. However, the classification appeared to be based only on an observation of functional data so it was converted to no classification on 2025-07-30.

NM_007294.4(BRCA1):c.5135G>C (p.Trp1712Ser)

Gene: BRCA1 (BRCA1 DNA repair associated; minus strand). Cytogenetic location: 17q21.31.
Variant type: single nucleotide variant.
Coding change: c.5135G>C on transcript NM_007294.4 (MANE Select); coding-DNA position 5135, G replaced by C.
Protein change: p.Trp1712Ser; replaces tryptophan 1712 with serine.
Molecular consequence: missense variant. On other transcripts: non-coding transcript variant (1).
Genome position (GRCh38, 1-based): chr17:43,063,891, C>G on the plus strand (G>C on the coding strand, the complement: BRCA1 is on the minus strand). VCF-style: chr17-43063891-C-G. GRCh37 (hg19) VCF-style: chr17-41215908-C-G.
Other names: c.4922G>C, p.Trp1641Ser (NM_001407571.1, NM_001407902.1, NM_001407904.1 and 12 more transcripts); c.5201G>C, p.Trp1734Ser (NM_001407581.1, NM_001407582.1); c.5198G>C, p.Trp1733Ser (NM_001407583.1, NM_001407585.1, NM_001407587.1 and 1 more transcripts); c.5195G>C, p.Trp1732Ser (NM_001407590.1, NM_001407591.1); c.5135G>C, p.Trp1712Ser (NM_001407593.1, NM_001407594.1, NM_001407596.1 and 7 more transcripts); c.5132G>C, p.Trp1711Ser (NM_001407610.1, NM_001407611.1, NM_001407612.1 and 17 more transcripts); c.5129G>C, p.Trp1710Ser (NM_001407628.1, NM_001407629.1, NM_001407630.1 and 14 more transcripts); c.5078G>C, p.Trp1693Ser (NM_001407648.1); and 71 more; short protein forms W1665S, W1712S, W1733S, W608S, W1416S, W1585S, W1601S, W1622S.
Identifiers: ClinVar variation 867687 (VCV000867687.3), dbSNP rs876658672, ClinGen allele CA10591272.